The following is an entry in ClinVar:

NM_015338.6(ASXL1):c.4152C>G (p.Asn1384Lys)

Gene: ASXL1 (ASXL transcriptional regulator 1; plus strand). Cytogenetic location: 20q11.21.
Variant type: single nucleotide variant.
Coding change: c.4152C>G on transcript NM_015338.6 (MANE Select); coding-DNA position 4152, C replaced by G.
Protein change: p.Asn1384Lys; replaces asparagine 1384 with lysine.
Molecular consequence: missense variant.
Genome position (GRCh38, 1-based): chr20:32,436,864, C>G. VCF-style: chr20-32436864-C-G. GRCh37 (hg19) VCF-style: chr20-31024667-C-G.
Other names: c.3969C>G, p.Asn1323Lys (NM_001363734.1); short protein forms N1323K, N1384K.
Identifiers: ClinVar variation 1715864 (VCV001715864.6), dbSNP rs2515590117, ClinGen allele CA408564554.

ClinVar aggregate classification (germline): Uncertain significance. Review status: criteria provided, multiple submitters, no conflicts (2 of 4 stars). 2 submissions from 2 submitters: Uncertain significance (2). Last evaluated 2025-09-05.

Conditions:
Inborn genetic diseases. Identifiers: MedGen C0950123, MeSH D030342.

Submissions (2):

Ambry Genetics
Classification: Uncertain significance for Inborn genetic diseases. Last evaluated: 2025-09-05. Review status: criteria provided, single submitter. Criteria: Ambry Variant Classification Scheme 2023. Collection method: clinical testing. Allele origin: germline.

Labcorp Genetics (formerly Invitae), Labcorp
Classification: Uncertain significance. Last evaluated: 2022-09-05. Review status: criteria provided, single submitter. Criteria: Invitae Variant Classification Sherloc (09022015). Collection method: clinical testing. Allele origin: germline.
Comment: This sequence change replaces asparagine, which is neutral and polar, with lysine, which is basic and polar, at codon 1384 of the ASXL1 protein (p.Asn1384Lys). In summary, the available evidence is currently insufficient to determine the role of this variant in disease. Therefore, it has been classified as a Variant of Uncertain Significance. Algorithms developed to predict the effect of missense changes on protein structure and function (SIFT, PolyPhen-2, Align-GVGD) all suggest that this variant is likely to be tolerated. This variant has not been reported in the literature in individuals affected with ASXL1-related conditions. This variant is not present in population databases (gnomAD no frequency).